The following is an entry in ClinVar:

ClinVar aggregate classification (germline): Pathogenic (1 of 4 stars; one submission).

Conditions:
Ellis-van Creveld syndrome (EVC). Also called: EVC-Related Ellis-van Creveld Syndrome; EVC2-Related Ellis-van Creveld Syndrome; MESOECTODERMAL DYSPLASIA; Chondroectodermal dysplasia. Identifiers: Orphanet 289, MedGen C0013903, MONDO:0009162, OMIM 225500.
Curry-Hall syndrome (WAD). Also called: WEYERS ACRODENTAL DYSOSTOSIS. Identifiers: Orphanet 952, MedGen C0457013, MONDO:0008673, OMIM 193530.

Submission:

Labcorp Genetics (formerly Invitae), Labcorp
Classification: Pathogenic for Curry-Hall syndrome; Ellis-van Creveld syndrome. Last evaluated: 2022-01-11. Review status: criteria provided, single submitter. Criteria: Invitae Variant Classification Sherloc (09022015). Collection method: clinical testing. Allele origin: germline.
Comment: For these reasons, this variant has been classified as Pathogenic. This variant has not been reported in the literature in individuals affected with EVC-related conditions. This variant is not present in population databases (gnomAD no frequency). This sequence change creates a premature translational stop signal (p.Ser160Trpfs*4) in the EVC gene. It is expected to result in an absent or disrupted protein product. Loss-of-function variants in EVC are known to be pathogenic (PMID: 23220543).

Literature cited by the submitters: PubMed 23220543.

NM_153717.3(EVC):c.478_481del (p.Ser160fs)

Gene: EVC (EvC ciliary complex subunit 1; plus strand). Cytogenetic location: 4p16.2.
Variant type: Deletion.
Coding change: c.478_481del on transcript NM_153717.3 (MANE Select); coding-DNA positions 478 to 481, 4 bases deleted (AGTC; older notation c.478_481delAGTC).
Protein change: p.Ser160fs; shifts the reading frame from serine 160.
Molecular consequence: frameshift variant.
Genome position (GRCh38, 1-based): chr4:5,731,518-5,731,521, AGTC deleted; deleting any 4 consecutive bases within chr4:5,731,517-5,731,521 gives the same sequence; the c. name uses the placement nearest the transcript's 3' end. VCF-style (leftmost placement, unchanged base first): chr4-5731516-GCAGT-G. GRCh37 (hg19) VCF-style: chr4-5733243-GCAGT-G.
Other names: c.478_481del, p.Ser160fs (NM_001306090.2, NM_001306092.2); short protein forms S160fs.
Identifiers: ClinVar variation 1451247 (VCV001451247.7), dbSNP rs2151935449, ClinGen allele CA2573138333.